The following is an entry in ClinVar:

NM_001367871.1(FBRSL1):c.1929G>A (p.Pro643=)

Gene: FBRSL1 (fibrosin like 1; plus strand). Cytogenetic location: 12q24.33.
Variant type: single nucleotide variant.
Coding change: c.1929G>A on transcript NM_001367871.1 (MANE Select); coding-DNA position 1929, G replaced by A.
Protein change: p.Pro643=; no amino-acid change (proline 643 retained).
Molecular consequence: synonymous variant.
Genome position (GRCh38, 1-based): chr12:132,581,757, G>A. VCF-style: chr12-132581757-G-A. GRCh37 (hg19) VCF-style: chr12-133158343-G-A.
Other names: c.1983G>A, p.Pro661= (NM_001382739.1); c.1308G>A, p.Pro436= (NM_001382740.1); c.2058G>A, p.Pro686= (NM_001142641.2).
Identifiers: ClinVar variation 2643650 (VCV002643650.24), dbSNP rs184339754, ClinGen allele CA6891114.

ClinVar aggregate classification (germline): Likely benign (1 of 4 stars; one submission).

Allele frequency attached by ClinVar (database versions not stated): gnomAD 0.00129; TOPMed 0.00139; 1000 Genomes Project 30x 0.00203; 1000 Genomes Project 0.00220; gnomAD exomes 0.00013; ExAC 0.00042.
gnomAD v4.1: 388 of 1,550,096 alleles (0.025%); highest among the groups gnomAD compares: African/African-American, 0.45%; 1 homozygote.

Submission:

CeGaT Center for Human Genetics Tuebingen
Classification: Likely benign. Last evaluated: 2023-04-01. Review status: criteria provided, single submitter. Criteria: CeGaT Center For Human Genetics Tuebingen Variant Classification Criteria Version 2. Collection method: clinical testing. Allele origin: germline. Affected: yes. Observed: 1 variant allele.
Comment: FBRSL1: BP4, BP7